The following is an entry in ClinVar:

NM_001130009.3(GEN1):c.1357G>A (p.Val453Ile)

Gene: GEN1 (GEN1 structure-specific endonuclease; plus strand). Cytogenetic location: 2p24.2.
Variant type: single nucleotide variant.
Coding change: c.1357G>A on transcript NM_001130009.3 (MANE Select); coding-DNA position 1357, G replaced by A.
Protein change: p.Val453Ile; replaces valine 453 with isoleucine.
Molecular consequence: missense variant.
Genome position (GRCh38, 1-based): chr2:17,780,070, G>A. VCF-style: chr2-17780070-G-A. GRCh37 (hg19) VCF-style: chr2-17961337-G-A.
Other names: c.1357G>A, p.Val453Ile (NM_182625.5); short protein forms V453I.
Identifiers: ClinVar variation 1444948 (VCV001444948.8), dbSNP rs564386964, ClinGen allele CA1540748.

ClinVar aggregate classification (germline): Uncertain significance (1 of 4 stars; one submission).

Allele frequency attached by ClinVar (database versions not stated): gnomAD 0.00004 and 0.00007; gnomAD exomes 0.00006 and 0.00009; TOPMed 0.00006; ExAC 0.00011; 1000 Genomes Project 30x 0.00016; 1000 Genomes Project 0.00020.
gnomAD v4.1: 99 of 1,612,066 alleles (0.0061%); highest among the groups gnomAD compares: South Asian, 0.067%; no homozygotes.

Submission:

Labcorp Genetics (formerly Invitae), Labcorp
Classification: Uncertain significance. Last evaluated: 2025-01-27. Review status: criteria provided, single submitter. Criteria: Invitae Variant Classification Sherloc (09022015). Collection method: clinical testing. Allele origin: germline.
Comment: This sequence change replaces valine, which is neutral and non-polar, with isoleucine, which is neutral and non-polar, at codon 453 of the GEN1 protein (p.Val453Ile). This variant is present in population databases (rs564386964, gnomAD 0.06%), and has an allele count higher than expected for a pathogenic variant. This variant has not been reported in the literature in individuals affected with GEN1-related conditions. ClinVar contains an entry for this variant (Variation ID: 1444948). An algorithm developed to predict the effect of missense changes on protein structure and function (PolyPhen-2) suggests that this variant is likely to be disruptive. In summary, the available evidence is currently insufficient to determine the role of this variant in disease. Therefore, it has been classified as a Variant of Uncertain Significance.